The following is an entry in ClinVar:

ClinVar aggregate classification (germline): Conflicting classifications of pathogenicity. Review status: criteria provided, conflicting classifications (1 of 4 stars). 3 submissions from 3 submitters: Uncertain significance (2); Likely benign (1). Last evaluated 2026-03-01.

Conditions:
Inborn genetic diseases. Identifiers: MedGen C0950123, MeSH D030342.

Allele frequency attached by ClinVar (database versions not stated): TOPMed 0.00001; gnomAD exomes 0.00002; ExAC 0.00003.

Submissions (3):

CeGaT Center for Human Genetics Tuebingen
Classification: Likely benign. Last evaluated: 2026-03-01. Review status: criteria provided, single submitter. Criteria: CeGaT Center For Human Genetics Tuebingen Variant Classification Criteria Version 2. Collection method: clinical testing. Allele origin: germline. Affected: yes. Observed: 2 variant alleles.
Comment: NKAP: BP4, BS2

Blueprint Genetics
Classification: Uncertain significance. Last evaluated: 2024-07-16. Review status: criteria provided, single submitter. Criteria: ACMG Guidelines, 2015. Collection method: clinical testing. Allele origin: germline.

Ambry Genetics
Classification: Uncertain significance for Inborn genetic diseases. Last evaluated: 2021-06-04. Review status: criteria provided, single submitter. Criteria: Ambry Variant Classification Scheme 2023. Collection method: clinical testing. Allele origin: germline.

NM_024528.4(NKAP):c.121C>T (p.Arg41Cys)

Gene: NKAP (NFKB activating protein; minus strand). Cytogenetic location: Xq24.
Variant type: single nucleotide variant.
Coding change: c.121C>T on transcript NM_024528.4 (MANE Select); coding-DNA position 121, C replaced by T.
Protein change: p.Arg41Cys; replaces arginine 41 with cysteine.
Molecular consequence: missense variant.
Genome position (GRCh38, 1-based): chrX:119,943,485, G>A on the plus strand (C>T on the coding strand, the complement: NKAP is on the minus strand). VCF-style: chrX-119943485-G-A. GRCh37 (hg19) VCF-style: chrX-119077448-G-A.
Other names: short protein forms R41C.
Identifiers: ClinVar variation 2230675 (VCV002230675.27), dbSNP rs753554646, ClinGen allele CA10503933.